The following is an entry in ClinVar:

ClinVar aggregate classification (germline): Uncertain significance (1 of 4 stars; one submission).

Submission:

GeneDx
Classification: Uncertain significance. Last evaluated: 2025-10-15. Review status: criteria provided, single submitter. Criteria: GeneDx Variant Classification Process June 2021. Collection method: clinical testing. Allele origin: germline. Affected: yes.
Comment: Not observed at significant frequency in large population cohorts (gnomAD); Nonsense variant predicted to result in protein truncation or nonsense mediated decay in a gene or region of a gene for which loss of function is not a well-established mechanism of disease; Has not been previously published as pathogenic or benign to our knowledge

NM_001128840.3(CACNA1D):c.5869C>T (p.Gln1957Ter)

Gene: CACNA1D (calcium voltage-gated channel subunit alpha1 D; plus strand). Cytogenetic location: 3p21.1.
Variant type: single nucleotide variant.
Coding change: c.5869C>T on transcript NM_001128840.3 (MANE Select); coding-DNA position 5869, C replaced by T.
Protein change: p.Gln1957Ter; replaces glutamine 1957 with a stop codon.
Molecular consequence: nonsense.
Genome position (GRCh38, 1-based): chr3:53,808,768, C>T. VCF-style: chr3-53808768-C-T. GRCh37 (hg19) VCF-style: chr3-53842795-C-T.
Other names: c.5929C>T, p.Gln1977Ter (NM_000720.4); c.5797C>T, p.Gln1933Ter (NM_001128839.3); short protein forms Q1933*, Q1957*, Q1977*.
Identifiers: ClinVar variation 1203075 (VCV001203075.4), dbSNP rs2106885668, ClinGen allele CA353256467.